The following is an entry in ClinVar:

ClinVar aggregate classification (germline): Uncertain significance (1 of 4 stars; one submission).

Allele frequency attached by ClinVar (database versions not stated): gnomAD exomes 0.00001; ExAC 0.00002; gnomAD 0.00003; TOPMed 0.00005; ESP Exome Variant Server 0.00008.
gnomAD v4.1: 28 of 1,613,794 alleles (0.0017%); highest among the groups gnomAD compares: African/African-American, 0.0067%; no homozygotes.

Submission:

Mayo Clinic Laboratories, Mayo Clinic
Classification: Uncertain significance. Last evaluated: 2023-02-13. Review status: criteria provided, single submitter. Criteria: ACMG Guidelines, 2015. Collection method: clinical testing. Allele origin: germline. Observed: 1 variant allele.
Comment: PM2

NM_005993.5(TBCD):c.298C>T (p.His100Tyr)

Gene: TBCD (tubulin folding cofactor D). Cytogenetic location: 17q25.3.
Variant type: single nucleotide variant.
Coding change: c.298C>T on transcript NM_005993.5 (MANE Select); coding-DNA position 298, C replaced by T.
Protein change: p.His100Tyr; replaces histidine 100 with tyrosine.
Molecular consequence: missense variant.
Genome position (GRCh38, 1-based): chr17:82,764,027, C>T. VCF-style: chr17-82764027-C-T. GRCh37 (hg19) VCF-style: chr17-80721903-C-T.
Other names: p.His100Tyr; c.247C>T, p.His83Tyr (NM_001411101.1); c.298C>T, p.His100Tyr (NM_001411102.1); short protein forms H100Y, H83Y.
Identifiers: ClinVar variation 2683444 (VCV002683444.1), dbSNP rs369135151, ClinGen allele CA8861552.